The following is an entry in ClinVar:

NM_001386298.1(CIC):c.7031A>C (p.Asp2344Ala)

Gene: CIC (capicua transcriptional repressor; plus strand). Cytogenetic location: 19q13.2.
Variant type: single nucleotide variant.
Coding change: c.7031A>C on transcript NM_001386298.1 (MANE Select); coding-DNA position 7031, A replaced by C.
Protein change: p.Asp2344Ala; replaces aspartic acid 2344 with alanine.
Molecular consequence: missense variant.
Genome position (GRCh38, 1-based): chr19:42,294,281, A>C. VCF-style: chr19-42294281-A-C. GRCh37 (hg19) VCF-style: chr19-42798433-A-C.
Other names: c.7031A>C, p.Asp2344Ala (NM_001304815.2); c.7028A>C, p.Asp2343Ala (NM_001379480.1, NM_001379482.1); c.4304A>C, p.Asp1435Ala (NM_001379484.1, NM_015125.5); c.4301A>C, p.Asp1434Ala (NM_001379485.1); short protein forms D1434A, D1435A, D2343A, D2344A.
Identifiers: ClinVar variation 3361488 (VCV003361488.3).

ClinVar aggregate classification (germline): Uncertain significance (1 of 4 stars; one submission).

Submission:

GeneDx
Classification: Uncertain significance. Last evaluated: 2026-10-18. Review status: criteria provided, single submitter. Criteria: GeneDx Variant Classification Process June 2021. Collection method: clinical testing. Allele origin: germline.
Comment: Not observed at significant frequency in large population cohorts (gnomAD); In silico analysis supports that this missense variant has a deleterious effect on protein structure/function; Has not been previously published as pathogenic or benign to our knowledge